The following is an entry in ClinVar:

NM_016239.4(MYO15A):c.9805_9808del (p.Leu3269fs)

Gene: MYO15A (myosin XVA; plus strand). Cytogenetic location: 17p11.2.
Variant type: Deletion.
Coding change: c.9805_9808del on transcript NM_016239.4 (MANE Select); coding-DNA positions 9805 to 9808, 4 bases deleted (CTCA; older notation c.9805_9808delCTCA).
Protein change: p.Leu3269fs; shifts the reading frame from leucine 3269.
Molecular consequence: frameshift variant.
Genome position (GRCh38, 1-based): chr17:18,166,378-18,166,381, CTCA deleted; deleting any 4 consecutive bases within chr17:18,166,376-18,166,381 gives the same sequence; the c. name uses the placement nearest the transcript's 3' end. VCF-style (leftmost placement, unchanged base first): chr17-18166375-CCACT-C. GRCh37 (hg19) VCF-style: chr17-18069689-CCACT-C.
Other names: short protein forms L3269fs.
Identifiers: ClinVar variation 4687930 (VCV004687930.1).

ClinVar aggregate classification (germline): Pathogenic (1 of 4 stars; one submission).

Conditions:
Autosomal recessive nonsyndromic hearing loss 3. Also called: NEUROSENSORY NONSYNDROMIC RECESSIVE DEAFNESS 3. Identifiers: Orphanet 90636, MedGen C1838263, MONDO:0010860, OMIM 600316.

Submission:

Human Genetics Bochum, Ruhr University Bochum
Classification: Pathogenic for Autosomal recessive nonsyndromic hearing loss 3. Last evaluated: 2025-06-20. Review status: criteria provided, single submitter. Criteria: ACMG Guidelines, 2015. Collection method: clinical testing. Allele origin: germline. Affected: yes.
Comment: in homozygous state; ACMG criteria used to clasify this variant: PVS1, PM3, PM2_SUP